The following is an entry in ClinVar:

ClinVar aggregate classification (germline): Pathogenic/Likely pathogenic. Review status: criteria provided, multiple submitters, no conflicts (2 of 4 stars). 2 submissions from 2 submitters: Pathogenic (1); Likely pathogenic (1). Last evaluated 2026-08-11.

Allele frequency attached by ClinVar (database versions not stated): gnomAD exomes below 0.00001.
gnomAD v4.1: 13 of 1,613,980 alleles (0.00081%); highest among the groups gnomAD compares: South Asian, 0.012%; no homozygotes.

Submissions (2):

GeneDx
Classification: Pathogenic. Last evaluated: 2026-08-11. Review status: criteria provided, single submitter. Criteria: GeneDx Variant Classification Process June 2021. Collection method: clinical testing. Allele origin: germline.
Comment: Reported previously in unaffected carrier(s) in a publication examining carrier frequency of genes associated with inherited retinal diseases; however, no further information was provided in this report (PMID: 31964843); Canonical splice site variant predicted to result in a null allele in a gene for which loss of function is a known mechanism of disease; Not observed at significant frequency in large population cohorts (gnomAD); This variant is associated with the following publications: (PMID: 31964843)

Labcorp Genetics (formerly Invitae), Labcorp
Classification: Likely pathogenic. Last evaluated: 2021-04-14. Review status: criteria provided, single submitter. Criteria: Invitae Variant Classification Sherloc (09022015). Collection method: clinical testing. Allele origin: germline.
Comment: In summary, the currently available evidence indicates that the variant is pathogenic, but additional data are needed to prove that conclusively. Therefore, this variant has been classified as Likely Pathogenic. This variant has not been reported in the literature in individuals with ADAMTS18-related conditions. This variant is not present in population databases (ExAC no frequency). This sequence change affects a donor splice site in intron 19 of the ADAMTS18 gene. It is expected to disrupt RNA splicing. Variants that disrupt the donor or acceptor splice site typically lead to a loss of protein function (PMID: 16199547), and loss-of-function variants in ADAMTS18 are known to be pathogenic (PMID: 23818446, 24874986).

Literature cited by the submitters: PubMed 16199547 (cited by Labcorp Genetics (formerly Invitae), Labcorp); PubMed 23818446 (cited by Labcorp Genetics (formerly Invitae), Labcorp); PubMed 24874986 (cited by Labcorp Genetics (formerly Invitae), Labcorp).

NM_199355.4(ADAMTS18):c.3006+1G>A

Gene: ADAMTS18 (ADAM metallopeptidase with thrombospondin type 1 motif 18; minus strand). Cytogenetic location: 16q23.1.
Variant type: single nucleotide variant.
Coding change: c.3006+1G>A on transcript NM_199355.4 (MANE Select); the canonical splice donor site of the intron after coding-DNA position 3006, G replaced by A.
Molecular consequence: splice donor variant.
Genome position (GRCh38, 1-based): chr16:77,294,922, C>T on the plus strand (G>A on the coding strand, the complement: ADAMTS18 is on the minus strand). VCF-style: chr16-77294922-C-T. GRCh37 (hg19) VCF-style: chr16-77328819-C-T.
Other names: c.2490+1G>A (NM_001326358.2).
Identifiers: ClinVar variation 1467414 (VCV001467414.10), dbSNP rs1195694707, ClinGen allele CA396833281.